The following is an entry in ClinVar:

ClinVar aggregate classification (germline): Uncertain significance (1 of 4 stars; one submission).

Conditions:
Hereditary cancer-predisposing syndrome. Also called: Neoplastic Syndromes, Hereditary; Hereditary Cancer Syndrome; Hereditary neoplastic syndrome; Tumor predisposition. Identifiers: Orphanet 140162, MedGen C0027672, MeSH D009386, MONDO:0015356.

Submission:

Ambry Genetics
Classification: Uncertain significance for Hereditary cancer-predisposing syndrome. Last evaluated: 2023-05-25. Review status: criteria provided, single submitter. Criteria: Ambry Variant Classification Scheme 2023. Collection method: clinical testing. Allele origin: germline.
Comment: The c.4986+33T>G intronic variant results from a T to G substitution 33 nucleotides after coding exon 14 in the BRCA1 gene. This nucleotide position is well conserved in available vertebrate species. In silico splice site analysis predicts that this alteration will result in the creation or strengthening of a novel splice donor site; however, direct evidence is insufficient at this time (Ambry internal data). Since supporting evidence is limited at this time, the clinical significance of this alteration remains unclear.

NM_007294.4(BRCA1):c.4986+33T>G

Gene: BRCA1 (BRCA1 DNA repair associated; minus strand). Cytogenetic location: 17q21.31.
Variant type: single nucleotide variant.
Coding change: c.4986+33T>G on transcript NM_007294.4 (MANE Select); 33 bases into the intron after coding-DNA position 4986, T replaced by G.
Molecular consequence: intron variant.
Genome position (GRCh38, 1-based): chr17:43,070,895, A>C on the plus strand (T>G on the coding strand, the complement: BRCA1 is on the minus strand). VCF-style: chr17-43070895-A-C. GRCh37 (hg19) VCF-style: chr17-41222912-A-C.
Other names: c.4980+33T>G (NM_001407630.1, NM_001407633.1, NM_001407632.1 and 14 more transcripts); c.4983+33T>G (NM_001407615.1, NM_001407613.1, NM_001407618.1 and 17 more transcripts); c.5046+33T>G (NM_001407591.1, NM_001407590.1); c.1551+33T>G (NM_001408441.1, NM_001408437.1, NM_001408436.1 and 10 more transcripts); c.1173+33T>G (NM_001408512.1); c.1296+33T>G (NM_001408510.1); c.4839+33T>G (NM_001407848.1, NM_001407839.1, NM_001407842.1 and 12 more transcripts); c.4776+33T>G (NM_001407885.1, NM_001407886.1, NM_001407881.1 and 5 more transcripts); and 71 more.
Identifiers: ClinVar variation 2565361 (VCV002565361.2), dbSNP rs2153800072, ClinGen allele CA2580612612.
Genomic context (GRCh38, chr17:43,070,895, plus strand): 5'-CTCTAGGTTATTAATTGACAATACCTACATAAAACTCTTTCCAGAATGTTGTTAAGTCTT[A>C]GTCATTAGGGAGATACATATGGATACACTCACAAATTCTTCTGGGGTCAGGCCAGACACC-3'